The following is an entry in ClinVar:

NM_006393.3(NEBL):c.650A>G (p.Glu217Gly)

Gene: NEBL (nebulette; minus strand). Cytogenetic location: 10p12.31.
Variant type: single nucleotide variant.
Coding change: c.650A>G on transcript NM_006393.3 (MANE Select); coding-DNA position 650, A replaced by G.
Protein change: p.Glu217Gly; replaces glutamic acid 217 with glycine.
Molecular consequence: missense variant. On other transcripts: intron variant (9).
Genome position (GRCh38, 1-based): chr10:20,868,698, T>C on the plus strand (A>G on the coding strand, the complement: NEBL is on the minus strand). VCF-style: chr10-20868698-T-C. GRCh37 (hg19) VCF-style: chr10-21157627-T-C.
Other names: c.250-55758A>G (NM_001377326.1, NM_001377327.1, NM_001377328.1); c.358-55758A>G (NM_213569.2, NM_001173484.2, NM_001377322.1); c.301-55758A>G (NM_001377324.1); c.292-55758A>G (NM_001377325.1); c.310-55758A>G (NM_001377323.1); short protein forms E217G.
Identifiers: ClinVar variation 843338 (VCV000843338.10), dbSNP rs755291598, ClinGen allele CA5433165.

ClinVar aggregate classification (germline): Uncertain significance (1 of 4 stars; one submission).

Conditions:
Primary dilated cardiomyopathy (DCM). Also called: Dilated Cardiomyopathy. Identifiers: Orphanet 217604, MedGen C0007193, MeSH D002311, MONDO:0005021, HP:0001644. Inheritance: Various modes of inheritance.

Allele frequency attached by ClinVar (database versions not stated): gnomAD exomes 0.00001; ExAC 0.00002; gnomAD 0.00002; TOPMed 0.00002.
gnomAD v4.1: 8 of 1,612,690 alleles (0.0005%); highest among the groups gnomAD compares: African/African-American, 0.008%; no homozygotes.

Submission:

Labcorp Genetics (formerly Invitae), Labcorp
Classification: Uncertain significance for Primary dilated cardiomyopathy. Last evaluated: 2021-01-14. Review status: criteria provided, single submitter. Criteria: Invitae Variant Classification Sherloc (09022015). Collection method: clinical testing. Allele origin: germline.
Comment: Algorithms developed to predict the effect of missense changes on protein structure and function are either unavailable or do not agree on the potential impact of this missense change (SIFT: "Deleterious"; PolyPhen-2: "Benign"; Align-GVGD: "Class C0"). This variant has not been reported in the literature in individuals with NEBL-related conditions. This variant is present in population databases (rs755291598, ExAC 0.02%). This sequence change replaces glutamic acid with glycine at codon 217 of the NEBL protein (p.Glu217Gly). The glutamic acid residue is moderately conserved and there is a moderate physicochemical difference between glutamic acid and glycine. In summary, the available evidence is currently insufficient to determine the role of this variant in disease. Therefore, it has been classified as a Variant of Uncertain Significance.